The following is an entry in ClinVar:

ClinVar aggregate classification (germline): Uncertain significance (1 of 4 stars; one submission).

Submission:

GeneDx
Classification: Uncertain significance. Last evaluated: 2024-11-05. Review status: criteria provided, single submitter. Criteria: GeneDx Variant Classification Process June 2021. Collection method: clinical testing. Allele origin: germline. Affected: yes.
Comment: Not observed at significant frequency in large population cohorts (gnomAD); In silico analysis indicates that this missense variant does not alter protein structure/function; Has not been previously published as pathogenic or benign to our knowledge

NM_015021.3(ZNF292):c.6998C>A (p.Thr2333Asn)

Gene: ZNF292 (zinc finger protein 292; plus strand). Cytogenetic location: 6q14.3.
Variant type: single nucleotide variant.
Coding change: c.6998C>A on transcript NM_015021.3 (MANE Select); coding-DNA position 6998, C replaced by A.
Protein change: p.Thr2333Asn; replaces threonine 2333 with asparagine.
Molecular consequence: missense variant.
Genome position (GRCh38, 1-based): chr6:87,260,627, C>A. VCF-style: chr6-87260627-C-A. GRCh37 (hg19) VCF-style: chr6-87970345-C-A.
Other names: c.6578C>A, p.Thr2193Asn (NM_001351444.2); short protein forms T2193N, T2333N.
Identifiers: ClinVar variation 3897134 (VCV003897134.1).
Genomic context (GRCh38, chr6:87,260,627, plus strand): 5'-CTAAACATCGGGGGACCAAGCACAGCAGATGTGGAAAGGAAGGAATAAAAATGCCCAAGA[C>A]CAAACGAAAGAAAAAAAATAATTTAGAAAACAAGAATGCAAAGATTGTGCAGATTGAAGA-3'
Protein context (NP_055836.1, residues 2323-2343): CGKEGIKMPK[Thr2333Asn]KRKKKNNLEN